The following is an entry in ClinVar:

ClinVar aggregate classification (germline): Uncertain significance (1 of 4 stars; one submission).

Allele frequency attached by ClinVar (database versions not stated): gnomAD exomes below 0.00001.
gnomAD v4.1: 2 of 1,613,846 alleles (0.00012%); highest among the groups gnomAD compares: East Asian, 0.0022%; no homozygotes.

Submission:

Labcorp Genetics (formerly Invitae), Labcorp
Classification: Uncertain significance. Last evaluated: 2024-12-09. Review status: criteria provided, single submitter. Criteria: Invitae Variant Classification Sherloc (09022015). Collection method: clinical testing. Allele origin: germline.
Comment: This sequence change replaces threonine, which is neutral and polar, with alanine, which is neutral and non-polar, at codon 3328 of the DNAH9 protein (p.Thr3328Ala). This variant is not present in population databases (gnomAD no frequency). This variant has not been reported in the literature in individuals affected with DNAH9-related conditions. ClinVar contains an entry for this variant (Variation ID: 1715568). Invitae Evidence Modeling of protein sequence and biophysical properties (such as structural, functional, and spatial information, amino acid conservation, physicochemical variation, residue mobility, and thermodynamic stability) indicates that this missense variant is not expected to disrupt DNAH9 protein function with a negative predictive value of 80%. In summary, the available evidence is currently insufficient to determine the role of this variant in disease. Therefore, it has been classified as a Variant of Uncertain Significance.

NM_001372.4(DNAH9):c.9982A>G (p.Thr3328Ala)

Gene: DNAH9 (dynein axonemal heavy chain 9; plus strand). Cytogenetic location: 17p12.
Variant type: single nucleotide variant.
Coding change: c.9982A>G on transcript NM_001372.4 (MANE Select); coding-DNA position 9982, A replaced by G.
Protein change: p.Thr3328Ala; replaces threonine 3328 with alanine.
Molecular consequence: missense variant.
Genome position (GRCh38, 1-based): chr17:11,869,182, A>G. VCF-style: chr17-11869182-A-G. GRCh37 (hg19) VCF-style: chr17-11772499-A-G.
Other names: short protein forms T3328A.
Identifiers: ClinVar variation 1715568 (VCV001715568.5), dbSNP rs2544795195, ClinGen allele CA398195069.